The following is an entry in ClinVar:

ClinVar aggregate classification (germline): Likely benign. Review status: criteria provided, single submitter (1 of 4 stars). 2 submissions from 2 submitters: Likely benign (1). 1 of the submissions does not count toward it. Last evaluated 2025-05-11.

Conditions:
ARSI-related disorder. Also called: ARSI-related condition.
Spastic paraplegia. Identifiers: MedGen C0037772, HP:0001258.

Allele frequency attached by ClinVar (database versions not stated): 1000 Genomes Project 30x 0.00016; 1000 Genomes Project 0.00020; ESP Exome Variant Server 0.00031; TOPMed 0.00073.

Submissions (2):

Labcorp Genetics (formerly Invitae), Labcorp
Classification: Likely benign for Spastic paraplegia. Last evaluated: 2025-05-11. Review status: criteria provided, single submitter. Criteria: Invitae Variant Classification Sherloc (09022015). Collection method: clinical testing. Allele origin: germline.

PreventionGenetics, part of Exact Sciences
Classification: Likely benign for ARSI-related condition. Last evaluated: 2020-01-09. Review status: no assertion criteria provided. Collection method: clinical testing. Allele origin: germline. Not counted in ClinVar's aggregate classification.
Comment: This variant is classified as likely benign based on ACMG/AMP sequence variant interpretation guidelines (Richards et al. 2015 PMID: 25741868, with internal and published modifications).

NM_001012301.4(ARSI):c.930G>A (p.Pro310=)

Gene: ARSI (arylsulfatase family member I; minus strand). Cytogenetic location: 5q32.
Variant type: single nucleotide variant.
Coding change: c.930G>A on transcript NM_001012301.4 (MANE Select); coding-DNA position 930, G replaced by A.
Protein change: p.Pro310=; no amino-acid change (proline 310 retained).
Molecular consequence: synonymous variant.
Genome position (GRCh38, 1-based): chr5:150,297,994, C>T on the plus strand (G>A on the coding strand, the complement: ARSI is on the minus strand). VCF-style: chr5-150297994-C-T. GRCh37 (hg19) VCF-style: chr5-149677557-C-T.
Other names: c.930G>A (NM_001012301.3).
Identifiers: ClinVar variation 703924 (VCV000703924.13), dbSNP rs140546154, ClinGen allele CA3510208.